The following is an entry in ClinVar:

ClinVar aggregate classification (germline): Uncertain significance. Review status: criteria provided, multiple submitters, no conflicts (2 of 4 stars). 2 submissions from 2 submitters: Uncertain significance (2). Last evaluated 2025-05-27.

Submissions (2):

Labcorp Genetics (formerly Invitae), Labcorp
Classification: Uncertain significance. Last evaluated: 2025-05-27. Review status: criteria provided, single submitter. Criteria: Invitae Variant Classification Sherloc (09022015). Collection method: clinical testing. Allele origin: germline.
Comment: This sequence change replaces cysteine, which is neutral and slightly polar, with tryptophan, which is neutral and slightly polar, at codon 258 of the FOXP1 protein (p.Cys258Trp). This variant is not present in population databases (gnomAD no frequency). This variant has not been reported in the literature in individuals affected with FOXP1-related conditions. Invitae Evidence Modeling of protein sequence and biophysical properties (such as structural, functional, and spatial information, amino acid conservation, physicochemical variation, residue mobility, and thermodynamic stability) indicates that this missense variant is not expected to disrupt FOXP1 protein function with a negative predictive value of 80%. In summary, the available evidence is currently insufficient to determine the role of this variant in disease. Therefore, it has been classified as a Variant of Uncertain Significance.

Blueprint Genetics
Classification: Uncertain significance. Last evaluated: 2019-05-16. Review status: criteria provided, single submitter. Criteria: ACMG Guidelines, 2015. Collection method: clinical testing. Allele origin: germline.

NM_001349338.3(FOXP1):c.774T>G (p.Cys258Trp)

Gene: FOXP1 (forkhead box P1; minus strand). Cytogenetic location: 3p13.
Variant type: single nucleotide variant.
Coding change: c.774T>G on transcript NM_001349338.3 (MANE Select); coding-DNA position 774, T replaced by G.
Protein change: p.Cys258Trp; replaces cysteine 258 with tryptophan.
Molecular consequence: missense variant. On other transcripts: non-coding transcript variant (2).
Genome position (GRCh38, 1-based): chr3:71,041,423, A>C on the plus strand (T>G on the coding strand, the complement: FOXP1 is on the minus strand). VCF-style: chr3-71041423-A-C. GRCh37 (hg19) VCF-style: chr3-71090574-A-C.
Other names: c.774T>G, p.Cys258Trp (NM_001244808.3, NM_001244810.2, NM_001244814.3 and 3 more transcripts); c.546T>G, p.Cys182Trp (NM_001244812.3); c.474T>G, p.Cys158Trp (NM_001244813.3, NM_001244815.2, NM_001349342.3 and 1 more transcripts); c.471T>G, p.Cys157Trp (NM_001349337.2, NM_001349343.3, NM_001349344.3); c.771T>G, p.Cys257Trp (NM_001349341.3); short protein forms C158W, C257W, C157W, C182W, C258W.
Identifiers: ClinVar variation 4727828 (VCV004727828.2).